The following is an entry in ClinVar:

ClinVar aggregate classification (germline): Likely pathogenic (1 of 4 stars; one submission).

Conditions:
COL1A1-related disorder. Also called: COL1A1- related disease; COL1A1-related condition.

Submission:

PreventionGenetics, part of Exact Sciences
Classification: Likely pathogenic for COL1A1-related condition. Last evaluated: 2026-05-11. Review status: criteria provided, single submitter. Criteria: ACMG Guidelines, 2015. Collection method: clinical testing. Allele origin: germline.
Comment: The COL1A1 c.451G>T variant is predicted to result in premature protein termination (p.Gly151*). To our knowledge, this variant has not been reported in the literature or in a large population database (gnomAD), indicating this variant is rare. Nonsense variants in COL1A1 are expected to be pathogenic. This variant is interpreted as likely pathogenic.

NM_000088.4(COL1A1):c.451G>T (p.Gly151Ter)

Gene: COL1A1 (collagen type I alpha 1 chain; minus strand). Cytogenetic location: 17q21.33.
Variant type: single nucleotide variant.
Coding change: c.451G>T on transcript NM_000088.4 (MANE Select); coding-DNA position 451, G replaced by T.
Protein change: p.Gly151Ter; replaces glycine 151 with a stop codon.
Molecular consequence: nonsense.
Genome position (GRCh38, 1-based): chr17:50,199,246, C>A on the plus strand (G>T on the coding strand, the complement: COL1A1 is on the minus strand). VCF-style: chr17-50199246-C-A. GRCh37 (hg19) VCF-style: chr17-48276607-C-A.
Other names: short protein forms G151*.
Identifiers: ClinVar variation 4992937 (VCV004992937.1).